The following is an entry in ClinVar:

NM_003579.4(RAD54L):c.1110T>A (p.Ser370Arg)

Gene: RAD54L (RAD54 like; plus strand). Cytogenetic location: 1p34.1.
Variant type: single nucleotide variant.
Coding change: c.1110T>A on transcript NM_003579.4 (MANE Select); coding-DNA position 1110, T replaced by A.
Protein change: p.Ser370Arg; replaces serine 370 with arginine.
Molecular consequence: missense variant.
Genome position (GRCh38, 1-based): chr1:46,270,726, T>A. VCF-style: chr1-46270726-T-A. GRCh37 (hg19) VCF-style: chr1-46736398-T-A.
Other names: c.1110T>A, p.Ser370Arg (NM_001142548.2); c.570T>A, p.Ser190Arg (NM_001370766.1); short protein forms S190R, S370R.
Identifiers: ClinVar variation 1795146 (VCV001795146.2), dbSNP rs2525701108, ClinGen allele CA340175366.

ClinVar aggregate classification (germline): Uncertain significance (1 of 4 stars; one submission).

Submission:

Ambry Genetics
Classification: Uncertain significance. Last evaluated: 2021-08-12. Review status: criteria provided, single submitter. Criteria: Ambry Variant Classification Scheme 2023. Collection method: clinical testing. Allele origin: germline.
Comment: The p.S370R variant (also known as c.1110T>A), located in coding exon 10 of the RAD54L gene, results from a T to A substitution at nucleotide position 1110. The serine at codon 370 is replaced by arginine, an amino acid with dissimilar properties. This amino acid position is conserved. In addition, the in silico prediction for this alteration is inconclusive. Since supporting evidence is limited at this time, the clinical significance of this alteration remains unclear.